The following is an entry in ClinVar:

ClinVar aggregate classification (germline): Likely benign. Review status: criteria provided, multiple submitters, no conflicts (2 of 4 stars). 3 submissions from 3 submitters: Likely benign (2). 1 of the submissions does not count toward it. Last evaluated 2026-01-15.

Conditions:
ADCY3-related disorder. Also called: ADCY3-related condition.

Allele frequency attached by ClinVar (database versions not stated): ESP Exome Variant Server 0.00015; ExAC 0.00029; gnomAD 0.00036; TOPMed 0.00036; gnomAD exomes 0.00043.
gnomAD v4.1: 671 of 1,614,014 alleles (0.042%); highest among the groups gnomAD compares: Non-Finnish European, 0.053%; 1 homozygote.

Submissions (3):

Labcorp Genetics (formerly Invitae), Labcorp
Classification: Likely benign. Last evaluated: 2026-01-15. Review status: criteria provided, single submitter. Criteria: Invitae Variant Classification Sherloc (09022015). Collection method: clinical testing. Allele origin: germline.

Blueprint Genetics
Classification: Likely benign. Last evaluated: 2024-09-06. Review status: criteria provided, single submitter. Criteria: ACMG Guidelines, 2015. Collection method: clinical testing. Allele origin: germline.

PreventionGenetics, part of Exact Sciences
Classification: Likely benign for ADCY3-related condition. Last evaluated: 2024-09-23. Review status: no assertion criteria provided. Collection method: clinical testing. Allele origin: germline. Not counted in ClinVar's aggregate classification.
Comment: This variant is classified as likely benign based on ACMG/AMP sequence variant interpretation guidelines (Richards et al. 2015 PMID: 25741868, with internal and published modifications).

NM_004036.5(ADCY3):c.867C>T (p.Asp289=)

Gene: ADCY3 (adenylate cyclase 3; minus strand). Cytogenetic location: 2p23.3.
Variant type: single nucleotide variant.
Coding change: c.867C>T on transcript NM_004036.5 (MANE Select); coding-DNA position 867, C replaced by T.
Protein change: p.Asp289=; no amino-acid change (aspartic acid 289 retained).
Molecular consequence: synonymous variant.
Genome position (GRCh38, 1-based): chr2:24,842,343, G>A on the plus strand (C>T on the coding strand, the complement: ADCY3 is on the minus strand). VCF-style: chr2-24842343-G-A. GRCh37 (hg19) VCF-style: chr2-25065212-G-A.
Other names: c.867C>T (NM_001320613.1); c.867C>T, p.Asp289= (NM_001320613.2, NM_001377128.1, NM_001377129.1 and 2 more transcripts); c.144C>T, p.Asp48= (NM_001377131.1).
Identifiers: ClinVar variation 2071250 (VCV002071250.6), dbSNP rs202180321, ClinGen allele CA1554369.